The following is an entry in ClinVar:

NM_001148.6(ANK2):c.6626G>T (p.Gly2209Val)

Gene: ANK2 (ankyrin 2; plus strand). Cytogenetic location: 4q26.
Variant type: single nucleotide variant.
Coding change: c.6626G>T on transcript NM_001148.6 (MANE Select); coding-DNA position 6626, G replaced by T.
Protein change: p.Gly2209Val; replaces glycine 2209 with valine.
Molecular consequence: missense variant. On other transcripts: intron variant (68).
Genome position (GRCh38, 1-based): chr4:113,355,244, G>T. VCF-style: chr4-113355244-G-T. GRCh37 (hg19) VCF-style: chr4-114276400-G-T.
Other names: c.6392G>T, p.Gly2131Val (NM_001386142.1); c.3026G>T, p.Gly1009Val (NM_001386166.1); c.6767G>T, p.Gly2256Val (NM_001386174.1); c.6743G>T, p.Gly2248Val (NM_001386175.1); c.4411+4995G>T (NM_001386186.2, NM_001386148.2); c.4213+4995G>T (NM_001354269.3); c.4291+4995G>T (NM_001386187.2); c.4252+4995G>T (NM_001386147.1); and 35 more; short protein forms G1009V, G2256V, G2131V, G2209V, G2248V.
Identifiers: ClinVar variation 1409865 (VCV001409865.6), dbSNP rs1564011730, ClinGen allele CA357924744.

ClinVar aggregate classification (germline): Uncertain significance (1 of 4 stars; one submission).

Conditions:
Long QT syndrome (LQTS). Identifiers: MedGen C0023976, MeSH D008133, MONDO:0002442. Disease mechanism: loss of function. Inheritance: Various modes of inheritance.

Allele frequency attached by ClinVar (database versions not stated): gnomAD exomes below 0.00001.
gnomAD v4.1: 1 of 1,614,102 alleles (0.000062%); highest among the groups gnomAD compares: Admixed American, 0.0017%; no homozygotes.

Submission:

Labcorp Genetics (formerly Invitae), Labcorp
Classification: Uncertain significance for Long QT syndrome. Last evaluated: 2021-08-07. Review status: criteria provided, single submitter. Criteria: Invitae Variant Classification Sherloc (09022015). Collection method: clinical testing. Allele origin: germline.
Comment: In summary, the available evidence is currently insufficient to determine the role of this variant in disease. Therefore, it has been classified as a Variant of Uncertain Significance. Algorithms developed to predict the effect of missense changes on protein structure and function output the following: SIFT: "Tolerated"; PolyPhen-2: "Benign"; Align-GVGD: "Class C0". The valine amino acid residue is found in multiple mammalian species, which suggests that this missense change does not adversely affect protein function. This variant has not been reported in the literature in individuals affected with ANK2-related conditions. This variant is not present in population databases (ExAC no frequency). This sequence change replaces glycine with valine at codon 2209 of the ANK2 protein (p.Gly2209Val). The glycine residue is weakly conserved and there is a moderate physicochemical difference between glycine and valine.